The following is an entry in ClinVar:

ClinVar aggregate classification (germline): Likely pathogenic (1 of 4 stars; one submission).

Conditions:
Myopathy, congenital, with tremor. Also called: CONGENITAL MYOPATHY 16; myogenic tremor. Identifiers: MedGen C5231401, MONDO:0032797, OMIM 618524.

Submission:

3billion
Classification: Likely pathogenic for Myopathy, congenital, with tremor. Last evaluated: 2025-09-26. Review status: criteria provided, single submitter. Criteria: ACMG Guidelines, 2015. Collection method: clinical testing. Allele origin: germline. Affected: yes.
Comment: The variant is not observed in the gnomAD v4.1.0 dataset. Predicted Consequence/Location: The variant is located in a mutational hot spot and/or well-established functional domain in which established pathogenic variants have been reported (PMID: 25679999, 31264822). Missense variant. Missense changes are a common disease-causing mechanism. In silico tool predictions suggest damaging effect of the variant on gene or gene product [3Cnet: 0.77 (> 0.75, sensitivity 0.96 and precision 0.92)]. Therefore, this variant is classified as Likely pathogenic according to the recommendation of ACMG/AMP guideline.

NM_002465.4(MYBPC1):c.935A>G (p.Lys312Arg)

Gene: MYBPC1 (myosin binding protein C1; plus strand). Cytogenetic location: 12q23.2.
Variant type: single nucleotide variant.
Coding change: c.935A>G on transcript NM_002465.4 (MANE Select); coding-DNA position 935, A replaced by G.
Protein change: p.Lys312Arg; replaces lysine 312 with arginine.
Molecular consequence: missense variant.
Genome position (GRCh38, 1-based): chr12:101,644,766, A>G. VCF-style: chr12-101644766-A-G. GRCh37 (hg19) VCF-style: chr12-102038544-A-G.
Other names: c.803A>G, p.Lys268Arg (NM_001404676.1, NM_001404678.1, NM_001254721.3); c.725A>G, p.Lys242Arg (NM_001404677.1, NM_001404679.1, NM_001404681.1); c.782A>G, p.Lys261Arg (NM_001404680.1, NM_001254722.3); c.935A>G, p.Lys312Arg (NM_206819.4, NM_001404675.1); c.860A>G, p.Lys287Arg (NM_206820.4, NM_206821.4, NM_001254718.3 and 1 more transcripts); c.824A>G, p.Lys275Arg (NM_001254720.3); c.821A>G, p.Lys274Arg (NM_001254723.3); short protein forms K242R, K261R, K268R, K274R, K275R, K287R, K312R.
Identifiers: ClinVar variation 4853882 (VCV004853882.1).